The following is an entry in ClinVar:

NM_001201543.2(FAM161A):c.964C>T (p.Gln322Ter)

Gene: FAM161A (FAM161 centrosomal protein A; minus strand). Cytogenetic location: 2p15.
Variant type: single nucleotide variant.
Coding change: c.964C>T on transcript NM_001201543.2 (MANE Select); coding-DNA position 964, C replaced by T.
Protein change: p.Gln322Ter; replaces glutamine 322 with a stop codon.
Molecular consequence: nonsense. On other transcripts: non-coding transcript variant (1).
Genome position (GRCh38, 1-based): chr2:61,840,040, G>A on the plus strand (C>T on the coding strand, the complement: FAM161A is on the minus strand). VCF-style: chr2-61840040-G-A. GRCh37 (hg19) VCF-style: chr2-62067175-G-A.
Other names: c.964C>T, p.Gln322Ter (NM_032180.3); short protein forms Q322*.
Identifiers: ClinVar variation 1397312 (VCV001397312.6), dbSNP rs2105082121, ClinGen allele CA346987733.

ClinVar aggregate classification (germline): Pathogenic (1 of 4 stars; one submission).

Submission:

Labcorp Genetics (formerly Invitae), Labcorp
Classification: Pathogenic. Last evaluated: 2021-08-08. Review status: criteria provided, single submitter. Criteria: Invitae Variant Classification Sherloc (09022015). Collection method: clinical testing. Allele origin: germline.
Comment: For these reasons, this variant has been classified as Pathogenic. This variant has not been reported in the literature in individuals affected with FAM161A-related conditions. This variant is not present in population databases (ExAC no frequency). This sequence change creates a premature translational stop signal (p.Gln322*) in the FAM161A gene. It is expected to result in an absent or disrupted protein product. Loss-of-function variants in FAM161A are known to be pathogenic (PMID: 20705278, 20705279, 24651477).

Literature cited by the submitters: PubMed 20705278; PubMed 20705279; PubMed 24651477.